The following is an entry in ClinVar:

NM_017780.4(CHD7):c.2295del (p.Phe765fs)

Gene: CHD7 (chromodomain helicase DNA binding protein 7; plus strand). Cytogenetic location: 8q12.2.
Variant type: Deletion.
Coding change: c.2295del on transcript NM_017780.4 (MANE Select); coding-DNA position 2295, one base deleted (C; older notation c.2295delC).
Protein change: p.Phe765fs; shifts the reading frame from phenylalanine 765.
Molecular consequence: frameshift variant. On other transcripts: intron variant (1).
Genome position (GRCh38, 1-based): chr8:60,800,444, C deleted. VCF-style (leftmost placement, unchanged base first): chr8-60800443-TC-T. GRCh37 (hg19) VCF-style: chr8-61713002-TC-T.
Other names: c.1716+19394del (NM_001316690.1); short protein forms F765fs.
Identifiers: ClinVar variation 654941 (VCV000654941.6), dbSNP rs1586350854, ClinGen allele CA915945710.

ClinVar aggregate classification (germline): Pathogenic (1 of 4 stars; one submission).

Conditions:
CHARGE syndrome (CHARGE). Also called: Coloboma, heart anomaly, choanal atresia, retardation, genital and ear anomalies; CHARGE association; Hall-Hittner syndrome; Hittner Hirsch Kreh syndrome; CHARGE ASSOCIATION--COLOBOMA, HEART ANOMALY, CHOANAL ATRESIA, RETARDATION, GENITAL AND EAR ANOMALIES. Identifiers: Orphanet 138, MedGen C0265354, MONDO:0008965.

Submission:

Labcorp Genetics (formerly Invitae), Labcorp
Classification: Pathogenic for CHARGE syndrome. Last evaluated: 2018-11-28. Review status: criteria provided, single submitter. Criteria: Invitae Variant Classification Sherloc (09022015). Collection method: clinical testing. Allele origin: germline.
Comment: For these reasons, this variant has been classified as Pathogenic. Loss-of-function variants in CHD7 are known to be pathogenic (PMID: 22461308, 25077900). This variant has not been reported in the literature in individuals with CHD7-related conditions. This variant is not present in population databases (ExAC no frequency). This sequence change creates a premature translational stop signal (p.Phe765Leufs*38) in the CHD7 gene. It is expected to result in an absent or disrupted protein product.

Literature cited by the submitters: PubMed 22461308; PubMed 25077900.